The following is an entry in ClinVar:

Conditions:
Breast-ovarian cancer, familial, susceptibility to, 1 (BROVCA1). Also called: BRCA1 Hereditary Breast and Ovarian Cancer; OVARIAN CANCER, SUSCEPTIBILITY TO. Identifiers: Orphanet 145, MedGen C2676676, MONDO:0011450, OMIM 604370. Disease mechanism: loss of function.

Submission:

Brotman Baty Institute, University of Washington
No classification provided (evidence only). Condition: Breast-ovarian cancer, familial 1. Review status: no classification provided. Collection method: in vitro. Allele origin: not applicable. Functional consequence: functionally_abnormal.
ClinVar note: "not provided" was previously submitted as the classification for the variant. However, the classification appeared to be based only on an observation of functional data so it was converted to no classification on 2025-07-30.

NM_007294.4(BRCA1):c.1A>C (p.Met1Leu)

Gene: BRCA1 (BRCA1 DNA repair associated; minus strand). Cytogenetic location: 17q21.31.
Variant type: single nucleotide variant.
Coding change: c.1A>C on transcript NM_007294.4 (MANE Select); coding-DNA position 1, A replaced by C.
Protein change: p.Met1Leu; changes the start codon (methionine 1).
Molecular consequence: missense variant, initiator codon variant. On other transcripts: 5 prime UTR variant (1), non-coding transcript variant (1).
Genome position (GRCh38, 1-based): chr17:43,124,096, T>G on the plus strand (A>C on the coding strand, the complement: BRCA1 is on the minus strand). VCF-style: chr17-43124096-T-G. GRCh37 (hg19) VCF-style: chr17-41276113-T-G.
Other names: c.1A>C, p.Met1Leu (NM_001407663.1, NM_001407664.1, NM_001407665.1 and 193 more transcripts); c.-257A>C (NM_001407694.1, NM_001407724.1, NM_001407727.1 and 11 more transcripts); c.-261A>C (NM_001407695.1, NM_001408465.1); c.-402A>C (NM_001407696.1); c.-286A>C (NM_001407697.1, NM_001407846.1, NM_001407920.1); c.-87A>C (NM_001407698.1, NM_001407732.1, NM_001407736.1 and 23 more transcripts); c.-260A>C (NM_001407725.1, NM_001407730.1, NM_001407734.1 and 22 more transcripts); c.-206A>C (NM_001407726.1, NM_001407751.1); and 8 more; short protein forms M1L.
Identifiers: ClinVar variation 867671 (VCV000867671.4), dbSNP rs80357287, ClinGen allele CA10602156.